The following is an entry in ClinVar:

NM_002519.3(NPAT):c.590A>G (p.Gln197Arg)

Gene: NPAT (nuclear protein, coactivator of histone transcription; minus strand). Cytogenetic location: 11q22.3.
Variant type: single nucleotide variant.
Coding change: c.590A>G on transcript NM_002519.3 (MANE Select); coding-DNA position 590, A replaced by G.
Protein change: p.Gln197Arg; replaces glutamine 197 with arginine.
Molecular consequence: missense variant.
Genome position (GRCh38, 1-based): chr11:108,188,146, T>C on the plus strand (A>G on the coding strand, the complement: NPAT is on the minus strand). VCF-style: chr11-108188146-T-C. GRCh37 (hg19) VCF-style: chr11-108058873-T-C.
Other names: c.590A>G, p.Gln197Arg (NM_001321307.1); short protein forms Q197R.
Identifiers: ClinVar variation 1750437 (VCV001750437.2), dbSNP rs2078126865, ClinGen allele CA382523214.

ClinVar aggregate classification (germline): Uncertain significance (1 of 4 stars; one submission).

Allele frequency attached by ClinVar (database versions not stated): TOPMed below 0.00001; gnomAD exomes 0.00001.
gnomAD v4.1: 6 of 1,613,754 alleles (0.00037%); highest among the groups gnomAD compares: African/African-American, 0.0013%; no homozygotes.

Submission:

Ambry Genetics
Classification: Uncertain significance. Last evaluated: 2022-03-04. Review status: criteria provided, single submitter. Criteria: Ambry Variant Classification Scheme 2023. Collection method: clinical testing. Allele origin: germline.
Comment: The p.Q197R variant (also known as c.590A>G), located in coding exon 7 of the NPAT gene, results from an A to G substitution at nucleotide position 590. The glutamine at codon 197 is replaced by arginine, an amino acid with highly similar properties. This amino acid position is conserved. In addition, this alteration is predicted to be tolerated by in silico analysis. Since supporting evidence is limited at this time, the clinical significance of this alteration remains unclear.